The following is an entry in ClinVar:

NM_019066.5(MAGEL2):c.287G>A (p.Gly96Glu)

Gene: MAGEL2 (MAGE family member L2; minus strand). Cytogenetic location: 15q11.2.
Variant type: single nucleotide variant.
Coding change: c.287G>A on transcript NM_019066.5 (MANE Select); coding-DNA position 287, G replaced by A.
Protein change: p.Gly96Glu; replaces glycine 96 with glutamic acid.
Molecular consequence: missense variant.
Genome position (GRCh38, 1-based): chr15:23,647,456, C>T on the plus strand (G>A on the coding strand, the complement: MAGEL2 is on the minus strand). VCF-style: chr15-23647456-C-T. GRCh37 (hg19) VCF-style: chr15-23892603-C-T.
Other names: short protein forms G96E.
Identifiers: ClinVar variation 3377071 (VCV003377071.1).

ClinVar aggregate classification (germline): Uncertain significance (1 of 4 stars; one submission).

Conditions:
Schaaf-Yang syndrome (SHFYNG). Also called: Arthrogryposis, distal, with hypopituitarism, intellectual disability, and facial anomalies; MAGEL2-related Prader-Willi-like syndrome. Identifiers: Orphanet 398069, MedGen C5575066, MONDO:0014243, OMIM 615547.

Submission:

Victorian Clinical Genetics Services, Murdoch Childrens Research Institute
Classification: Uncertain significance for Schaaf-Yang syndrome. Last evaluated: 2021-05-06. Review status: criteria provided, single submitter. Criteria: ACMG Guidelines, 2015. Collection method: clinical testing. Allele origin: germline. Inheritance: Autosomal dominant inheritance.
Comment: Based on the classification scheme VCGS_Germline_v1.3.4, this variant is classified as VUS-3C. Following criteria are met: 0102 - Loss of function is a likely mechanism of disease in this gene and is associated with Schaaf-Yang syndrome (MIM#615547). (I) 0107 - This gene is associated with autosomal dominant disease. (I) 0113 - This gene is known to be imprinted (OMIM). (I) 0200 - Variant is predicted to result in a missense amino acid change from glycine to glutamic acid. (I) 0251 - This variant is heterozygous. (I) 0301 - Variant is absent from gnomAD (both v2 and v3). (SP) 0309 - An alternative amino acid change at the same position has been observed in gnomAD (v3) (2 heterozygotes, 0 homozygotes). (I) 0504 - Same amino acid change has been observed in placental mammals. (SB) 0604 - Variant is not located in an established domain, motif, hotspot or informative constraint region. (I) 0705 - No comparable missense variants have previous evidence for pathogenicity. (I) 0809 - Previous evidence of pathogenicity for this variant is inconclusive. This variant has been listed in a study, however the author commented on it as likely to have no pathogenic significance (PMID: 31791363). (I) 0905 - No published segregation evidence has been identified for this variant. (I) 1007 - No published functional evidence has been identified for this variant. (I) 1208 - Inheritance information for this variant is not currently available in this individual. (I) Legend: (SP) - Supporting pathogenic, (I) - Information, (SB) - Supporting benign

Literature cited by the submitters: PubMed 31791363.